The following is an entry in ClinVar:

NM_001199251.3(SGO1):c.91G>T (p.Ala31Ser)

Genes: SGO1 (shugoshin 1; minus strand), SGO1-AS1 (SGO1 antisense RNA 1; plus strand). Cytogenetic location: 3p24.3.
Variant type: single nucleotide variant.
Coding change: c.91G>T on transcript NM_001199251.3 (MANE Select); coding-DNA position 91, G replaced by T.
Protein change: p.Ala31Ser; replaces alanine 31 with serine.
Molecular consequence: missense variant. On other transcripts: non-coding transcript variant (2).
Genome position (GRCh38, 1-based): chr3:20,183,937, C>A on the plus strand (G>T on the coding strand, the complement: SGO1 is on the minus strand). VCF-style: chr3-20183937-C-A. GRCh37 (hg19) VCF-style: chr3-20225429-C-A.
Other names: c.91G>T, p.Ala31Ser (NM_001012409.4, NM_001012410.5, NM_001012411.4 and 9 more transcripts); short protein forms A31S.
Identifiers: ClinVar variation 3895217 (VCV003895217.1), dbSNP rs140691683.
Genomic context (GRCh38, chr3:20,183,937, plus strand): 5'-ATCTCTTACTGATTATTTGGCATGGTGCAGCTATAAAAGACCTGCGTTTGCCAATCTCTG[C>A]CAAGTTTTTATTCCTTTTCTCTTTCATTCGCTTCTTTATGTCTTCAAGACTATCTTGAAA-3'
Protein context (NP_001186180.1, residues 21-41): RMKEKRNKNL[Ala31Ser]EIGKRRSFIA

ClinVar aggregate classification (germline): Likely benign (1 of 4 stars; one submission).

Submission:

Molecular Diagnostic Laboratory for Inherited Cardiovascular Disease, Montreal Heart Institute
Classification: Likely benign. Last evaluated: 2025-04-09. Review status: criteria provided, single submitter. Criteria: ACMG Guidelines, 2015. Collection method: clinical testing. Allele origin: germline. Affected: no.
Comment: BS1, BP4